The following is an entry in ClinVar:

NM_001367916.1(MAGT1):c.390+6A>G

Gene: MAGT1 (magnesium transporter 1; minus strand). Cytogenetic location: Xq21.1.
Variant type: single nucleotide variant.
Coding change: c.390+6A>G on transcript NM_001367916.1 (MANE Select); 6 bases into the intron after coding-DNA position 390, A replaced by G.
Molecular consequence: intron variant.
Genome position (GRCh38, 1-based): chrX:77,870,802, T>C on the plus strand (A>G on the coding strand, the complement: MAGT1 is on the minus strand). VCF-style: chrX-77870802-T-C. GRCh37 (hg19) VCF-style: chrX-77126299-T-C.
Other names: c.486+6A>G (NM_032121.5).
Identifiers: ClinVar variation 1556454 (VCV001556454.9), dbSNP rs782066955, ClinGen allele CA10458556.
Genomic context (GRCh38, chrX:77,870,802, plus strand): 5'-AAAATATATTCCACTTTCACTATATTTTACCTATTTTTATATAGCAGAATAAACCAAAGA[T>C]CTTACCATCTGAAATACATCAGAGCCTTCATCAAAATCCACCATGGCAAAAAATATCCTG-3'

ClinVar aggregate classification (germline): Benign/Likely benign. Review status: criteria provided, multiple submitters, no conflicts (2 of 4 stars). 2 submissions from 2 submitters: Benign (1); Likely benign (1). Last evaluated 2026-05-11.

Conditions:
MAGT1-related disorder. Also called: MAGT1-related condition.
X-linked immunodeficiency with magnesium defect, Epstein-Barr virus infection and neoplasia. Identifiers: Orphanet 317476, MedGen C3275445, MONDO:0010455, OMIM 300853.

Allele frequency attached by ClinVar (database versions not stated): gnomAD 0.00006 and 0.00007; gnomAD exomes 0.00007 and 0.00033; TOPMed 0.00019; ExAC 0.00023.
gnomAD v4.1: 75 of 1,115,631 alleles (0.0067%); highest among the groups gnomAD compares: Admixed American, 0.17%; no homozygotes.

Submissions (2):

PreventionGenetics, part of Exact Sciences
Classification: Likely benign for MAGT1-related condition. Last evaluated: 2026-05-11. Review status: criteria provided, single submitter. Criteria: ACMG Guidelines, 2015. Collection method: clinical testing. Allele origin: germline.
Comment: This variant is classified as likely benign based on ACMG/AMP sequence variant interpretation guidelines (Richards et al. 2015 PMID: 25741868, with internal and published modifications).

Labcorp Genetics (formerly Invitae), Labcorp
Classification: Benign for X-linked immunodeficiency with magnesium defect, Epstein-Barr virus infection and neoplasia. Last evaluated: 2026-01-20. Review status: criteria provided, single submitter. Criteria: Invitae Variant Classification Sherloc (09022015). Collection method: clinical testing. Allele origin: germline.